The following is an entry in ClinVar:

NM_006231.4(POLE):c.175A>G (p.Lys59Glu)

Gene: POLE (DNA polymerase epsilon, catalytic subunit; minus strand). Cytogenetic location: 12q24.33.
Variant type: single nucleotide variant.
Coding change: c.175A>G on transcript NM_006231.4 (MANE Select); coding-DNA position 175, A replaced by G.
Protein change: p.Lys59Glu; replaces lysine 59 with glutamic acid.
Molecular consequence: missense variant.
Genome position (GRCh38, 1-based): chr12:132,681,167, T>C on the plus strand (A>G on the coding strand, the complement: POLE is on the minus strand). VCF-style: chr12-132681167-T-C. GRCh37 (hg19) VCF-style: chr12-133257753-T-C.
Other names: c.175A>G (NM_006231.2); short protein forms K59E.
Identifiers: ClinVar variation 2178597 (VCV002178597.5), dbSNP rs2136033815, ClinGen allele CA387369792.
Genomic context (GRCh38, chr12:132,681,167, plus strand): 5'-TTCCTGGGTGGGAGAAGGACCTAGTGCTTACAGGATGCATGTTAATGAGCCAGCCTGTCT[T>C]CTCACCAGGCTCCTTCAGCCGCTCAAAACCAAACCGCAAATCCATCTTATCCGTCCACTG-3'
Protein context (NP_006222.2, residues 49-69): GFERLKEPGE[Lys59Glu]TGWLINMHPT

ClinVar aggregate classification (germline): Uncertain significance. Review status: criteria provided, multiple submitters, no conflicts (2 of 4 stars). 2 submissions from 2 submitters: Uncertain significance (2). Last evaluated 2024-04-29.

gnomAD v4.1: 2 of 1,614,100 alleles (0.00012%); highest among the groups gnomAD compares: Non-Finnish European, 0.00017%; no homozygotes.

Submissions (2):

Labcorp Genetics (formerly Invitae), Labcorp
Classification: Uncertain significance. Last evaluated: 2024-04-29. Review status: criteria provided, single submitter. Criteria: Invitae Variant Classification Sherloc (09022015). Collection method: clinical testing. Allele origin: germline.
Comment: This sequence change replaces lysine, which is basic and polar, with glutamic acid, which is acidic and polar, at codon 59 of the POLE protein (p.Lys59Glu). This variant is not present in population databases (gnomAD no frequency). This variant has not been reported in the literature in individuals affected with POLE-related conditions. ClinVar contains an entry for this variant (Variation ID: 2178597). Advanced modeling of protein sequence and biophysical properties (such as structural, functional, and spatial information, amino acid conservation, physicochemical variation, residue mobility, and thermodynamic stability) performed at Invitae indicates that this missense variant is not expected to disrupt POLE protein function with a negative predictive value of 80%. Algorithms developed to predict the effect of sequence changes on RNA splicing suggest that this variant may disrupt the consensus splice site. In summary, the available evidence is currently insufficient to determine the role of this variant in disease. Therefore, it has been classified as a Variant of Uncertain Significance.

GeneDx
Classification: Uncertain significance. Last evaluated: 2023-04-27. Review status: criteria provided, single submitter. Criteria: GeneDx Variant Classification Process June 2021. Collection method: clinical testing. Allele origin: germline. Affected: yes.
Comment: Not observed at significant frequency in large population cohorts (gnomAD); In silico analysis supports that this missense variant does not alter protein structure/function; Has not been previously published as pathogenic or benign to our knowledge